The following is an entry in ClinVar:

ClinVar aggregate classification (germline): Conflicting classifications of pathogenicity. Review status: criteria provided, conflicting classifications (1 of 4 stars). 3 submissions from 3 submitters: Pathogenic (1); Uncertain significance (1). 1 of the submissions does not count toward it. Last evaluated 2018-03-07.

Conditions:
Developmental and epileptic encephalopathy, 38 (DEE38). Also called: Epileptic encephalopathy, early infantile, 38. Identifiers: MedGen C4310762, MONDO:0014868, OMIM 617020.
Inborn genetic diseases. Identifiers: MedGen C0950123, MeSH D030342.

gnomAD v4.1: 1 of 1,613,428 alleles (0.000062%); highest among the groups gnomAD compares: Admixed American, 0.0017%; no homozygotes.

Submissions (3):

Undiagnosed Diseases Network, NIH
Classification: Uncertain significance for Developmental and epileptic encephalopathy, 38. Last evaluated: 2018-03-07. Review status: criteria provided, single submitter. Criteria: ACMG Guidelines, 2015. Collection method: clinical testing. Allele origin: biparental. Inheritance: Autosomal recessive inheritance. Affected: yes. Observed: 2 variant alleles, 2 homozygotes. Clinical features observed: Seizures, developmental delay, missed milestones. Study: Undiagnosed Diseases Network (NIH), UDN.

Ambry Genetics
Classification: Pathogenic for Inborn genetic diseases. Last evaluated: 2016-07-14. Review status: criteria provided, single submitter. Criteria: Ambry exome assertion method (8-5-2015). Collection method: clinical testing. Allele origin: germline. Affected: yes. Observed: 1 variant allele.

OMIM
Classification: Pathogenic for DEVELOPMENTAL AND EPILEPTIC ENCEPHALOPATHY 38. Last evaluated: 2020-10-23. Review status: no assertion criteria provided. Collection method: literature only. Allele origin: germline. Not counted in ClinVar's aggregate classification.

Literature cited by the submitters: PubMed 32165008 (cited by OMIM).

NM_022786.3(ARV1):c.674-2A>T

Gene: ARV1 (ARV1 homolog, fatty acid homeostasis modulator; plus strand). Cytogenetic location: 1q42.2.
Variant type: single nucleotide variant.
Coding change: c.674-2A>T on transcript NM_022786.3 (MANE Select); the canonical splice acceptor site of the intron before coding-DNA position 674, A replaced by T.
Molecular consequence: splice acceptor variant.
Genome position (GRCh38, 1-based): chr1:230,997,119, A>T. VCF-style: chr1-230997119-A-T. GRCh37 (hg19) VCF-style: chr1-231132865-A-T.
Other names: IVS4AS, A-T, -2; c.773-2A>T (NM_001346992.2).
Identifiers: ClinVar variation 520804 (VCV000520804.7), dbSNP rs1192627743, ClinGen allele CA345220548.
Genomic context (GRCh38, chr1:230,997,119, plus strand): 5'-AAATTTACATGTCAATATCGTTTCATTAATTCTGAACTTATTGGCTGCCTTCTCCTTTCC[A>T]GTGACCCTAAACATCAACCGTAAGCTCTCCTTCTTGGCCGTGTTGAGTGGCTTACTGCTG-3'